The following is an entry in ClinVar:

ClinVar aggregate classification (germline): Uncertain significance (1 of 4 stars; one submission).

Submission:

GeneDx
Classification: Uncertain significance. Last evaluated: 2019-01-02. Review status: criteria provided, single submitter. Criteria: GeneDx Variant Classification (06012015). Collection method: clinical testing. Allele origin: germline. Affected: yes.
Comment: The c.3160-2A>G variant in the ATP2B3 gene has not been reported previously as a pathogenic variant nor as a benign variant, to our knowledge. This splice site variant destroys the canonical splice acceptor site in intron 18. It is predicted to cause abnormal gene splicing, either leading to an abnormal message that is subject to nonsense-mediated mRNA decay, or to an abnormal protein product if the message is used for protein translation. The c.3160-2A>G variant is not observed in large population cohorts (Lek et al., 2016; 1000 Genomes Consortium et al., 2015; Exome Variant Server). We interpret c.3160-2A>G as a variant of uncertain significance

NM_001001344.3(ATP2B3):c.3160-2A>G

Gene: ATP2B3 (ATPase plasma membrane Ca2+ transporting 3; plus strand). Cytogenetic location: Xq28.
Variant type: single nucleotide variant.
Coding change: c.3160-2A>G on transcript NM_001001344.3 (MANE Select); the canonical splice acceptor site of the intron before coding-DNA position 3160, A replaced by G.
Molecular consequence: splice acceptor variant.
Genome position (GRCh38, 1-based): chrX:153,564,919, A>G. VCF-style: chrX-153564919-A-G. GRCh37 (hg19) VCF-style: chrX-152830377-A-G.
Other names: c.3160-2A>G (NM_021949.4, NM_001388360.1, NM_001388361.1 and 1 more transcripts); c.3118-2A>G (NM_001410708.1).
Identifiers: ClinVar variation 451201 (VCV000451201.2), dbSNP rs1557017564, ClinGen allele CA415077355.
Genomic context (GRCh38, chrX:153,564,919, plus strand): 5'-CTTACACCAGGCAGATGCTGCTCAGCCTGGCTCTCACGGCCACTTCCGTGTGGCTCCCCC[A>G]GGTCATTGCCACCATCCCCACCAGCCAGCTCAAGTGCCTGAAGGAAGCCGGGCACGGGCC-3'